The following is an entry in ClinVar:

NM_000256.3(MYBPC3):c.3779del (p.Gly1260fs)

Gene: MYBPC3 (myosin binding protein C3; minus strand). Cytogenetic location: 11p11.2.
Variant type: Deletion.
Coding change: c.3779del on transcript NM_000256.3 (MANE Select); coding-DNA position 3779, one base deleted (G; older notation c.3779delG).
Protein change: p.Gly1260fs; shifts the reading frame from glycine 1260.
Molecular consequence: frameshift variant.
Genome position (GRCh38, 1-based): chr11:47,332,107, C deleted on the plus strand (G on the coding strand, the reverse complement: MYBPC3 is on the minus strand); the first of 3 consecutive C bases (chr11:47,332,107-47,332,109); deleting any one gives the same sequence. VCF-style (leftmost placement, unchanged base first): chr11-47332106-GC-G. GRCh37 (hg19) VCF-style: chr11-47353657-GC-G.
Other names: short protein forms G1260fs.
Identifiers: ClinVar variation 1959572 (VCV001959572.5), dbSNP rs2495736079, ClinGen allele CA2580084169.

ClinVar aggregate classification (germline): Pathogenic (1 of 4 stars; one submission).

Conditions:
Hypertrophic cardiomyopathy. Also called: HYPERTROPHIC MYOCARDIOPATHY. Identifiers: Orphanet 217569, MedGen C0007194, MeSH D002312, MONDO:0005045, HP:0001639.

Submission:

Labcorp Genetics (formerly Invitae), Labcorp
Classification: Pathogenic for Hypertrophic cardiomyopathy. Last evaluated: 2022-10-29. Review status: criteria provided, single submitter. Criteria: Invitae Variant Classification Sherloc (09022015). Collection method: clinical testing. Allele origin: germline.
Comment: For these reasons, this variant has been classified as Pathogenic. This variant disrupts a region of the MYBPC3 protein in which other variant(s) (p.Arg1271*) have been determined to be pathogenic (PMID: 18533079, 19574547, 23396983; Invitae). This suggests that this is a clinically significant region of the protein, and that variants that disrupt it are likely to be disease-causing. This variant has not been reported in the literature in individuals affected with MYBPC3-related conditions. This variant is not present in population databases (gnomAD no frequency). This sequence change results in a frameshift in the MYBPC3 gene (p.Gly1260Alafs*71). While this is not anticipated to result in nonsense mediated decay, it is expected to disrupt the last 15 amino acid(s) of the MYBPC3 protein and extend the protein by 55 additional amino acid residues.

Literature cited by the submitters: PubMed 18533079; PubMed 19574547; PubMed 23396983.